The following is an entry in ClinVar:

NM_020461.4(TUBGCP6):c.5242C>T (p.Arg1748Cys)

Gene: TUBGCP6 (tubulin gamma complex component 6; minus strand). Cytogenetic location: 22q13.33.
Variant type: single nucleotide variant.
Coding change: c.5242C>T on transcript NM_020461.4 (MANE Select); coding-DNA position 5242, C replaced by T.
Protein change: p.Arg1748Cys; replaces arginine 1748 with cysteine.
Molecular consequence: missense variant.
Genome position (GRCh38, 1-based): chr22:50,218,044, G>A on the plus strand (C>T on the coding strand, the complement: TUBGCP6 is on the minus strand). VCF-style: chr22-50218044-G-A. GRCh37 (hg19) VCF-style: chr22-50656473-G-A.
Other names: short protein forms R1748C.
Identifiers: ClinVar variation 1309995 (VCV001309995.3), dbSNP rs539568209, ClinGen allele CA10307113.

ClinVar aggregate classification (germline): Uncertain significance. Review status: criteria provided, multiple submitters, no conflicts (2 of 4 stars). 2 submissions from 2 submitters: Uncertain significance (2). Last evaluated 2019-09-10.

Allele frequency attached by ClinVar (database versions not stated): gnomAD 0.00001 and 0.00003; TOPMed 0.00001; gnomAD exomes 0.00002 and 0.00004; ExAC 0.00008; 1000 Genomes Project 30x 0.00016; 1000 Genomes Project 0.00020.
gnomAD v4.1: 40 of 1,613,478 alleles (0.0025%); highest among the groups gnomAD compares: South Asian, 0.0099%; 1 homozygote.

Submissions (2):

GeneDx
Classification: Uncertain significance. Last evaluated: 2019-09-10. Review status: criteria provided, single submitter. Criteria: GeneDx Variant Classification Process June 2021. Collection method: clinical testing. Allele origin: germline. Affected: yes.
Comment: In silico analysis, which includes protein predictors and evolutionary conservation, supports a deleterious effect; Has not been previously published as pathogenic or benign to our knowledge

Breakthrough Genomics
Classification: Uncertain significance. Review status: criteria provided, single submitter. Criteria: ACMG Guidelines, 2015. Collection method: not provided. Allele origin: germline. Inheritance: Autosomal dominant inheritance. Affected: yes.